The following is an entry in ClinVar:

NM_000298.6(PKLR):c.1270-11G>A

Gene: PKLR (pyruvate kinase L/R; minus strand). Cytogenetic location: 1q22.
Variant type: single nucleotide variant.
Coding change: c.1270-11G>A on transcript NM_000298.6 (MANE Select); 11 bases into the intron before coding-DNA position 1270, G replaced by A.
Molecular consequence: intron variant.
Genome position (GRCh38, 1-based): chr1:155,293,354, C>T on the plus strand (G>A on the coding strand, the complement: PKLR is on the minus strand). VCF-style: chr1-155293354-C-T. GRCh37 (hg19) VCF-style: chr1-155263145-C-T.
Other names: c.1177-11G>A (NM_181871.4).
Identifiers: ClinVar variation 994384 (VCV000994384.14), dbSNP rs1647339680, ClinGen allele CA1139656338.

ClinVar aggregate classification (germline): Uncertain significance. Review status: criteria provided, multiple submitters, no conflicts (2 of 4 stars). 2 submissions from 2 submitters: Uncertain significance (2). Last evaluated 2022-04-09.

Allele frequency attached by ClinVar (database versions not stated): gnomAD exomes below 0.00001.
gnomAD v4.1: 2 of 1,614,228 alleles (0.00012%); highest among the groups gnomAD compares: Admixed American, 0.0033%; no homozygotes.

Submissions (2):

Labcorp Genetics (formerly Invitae), Labcorp
Classification: Uncertain significance. Last evaluated: 2022-04-09. Review status: criteria provided, single submitter. Criteria: Invitae Variant Classification Sherloc (09022015). Collection method: clinical testing. Allele origin: germline.
Comment: This sequence change falls in intron 8 of the PKLR gene. It does not directly change the encoded amino acid sequence of the PKLR protein. This variant is not present in population databases (gnomAD no frequency). This variant has not been reported in the literature in individuals affected with PKLR-related conditions. ClinVar contains an entry for this variant (Variation ID: 994384). Algorithms developed to predict the effect of sequence changes on RNA splicing suggest that this variant may create or strengthen a splice site. In summary, the available evidence is currently insufficient to determine the role of this variant in disease. Therefore, it has been classified as a Variant of Uncertain Significance.

ARUP Laboratories, Molecular Genetics and Genomics, ARUP Laboratories
Classification: Uncertain significance. Last evaluated: 2019-08-22. Review status: criteria provided, single submitter. Criteria: ARUP Molecular Germline Variant Investigation Process. Collection method: clinical testing. Allele origin: germline.